The following is an entry in ClinVar:

ClinVar aggregate classification (germline): Likely benign. Review status: criteria provided, multiple submitters, no conflicts (2 of 4 stars). 2 submissions from 2 submitters: Likely benign (2). Last evaluated 2026-01-22.

Conditions:
USH1C-related disorder. Also called: USH1C-related condition.

gnomAD v4.1: 30 of 1,612,586 alleles (0.0019%); highest among the groups gnomAD compares: East Asian, 0.031%; 1 homozygote.

Submissions (2):

PreventionGenetics, part of Exact Sciences
Classification: Likely benign for USH1C-related condition. Last evaluated: 2026-01-22. Review status: criteria provided, single submitter. Criteria: ACMG Guidelines, 2015. Collection method: clinical testing. Allele origin: germline.
Comment: This variant is classified as likely benign based on ACMG/AMP sequence variant interpretation guidelines (Richards et al. 2015 PMID: 25741868, with internal and published modifications).

Blueprint Genetics
Classification: Likely benign. Last evaluated: 2024-09-19. Review status: criteria provided, single submitter. Criteria: ACMG Guidelines, 2015. Collection method: clinical testing. Allele origin: germline.

NM_153676.4(USH1C):c.1494C>T (p.Leu498=)

Gene: USH1C (USH1 protein network component harmonin; minus strand). Cytogenetic location: 11p15.1.
Variant type: single nucleotide variant.
Coding change: c.1494C>T on transcript NM_153676.4 (MANE Select); coding-DNA position 1494, C replaced by T.
Protein change: p.Leu498=; no amino-acid change (leucine 498 retained).
Molecular consequence: synonymous variant. On other transcripts: intron variant (11).
Genome position (GRCh38, 1-based): chr11:17,510,441, G>A on the plus strand (C>T on the coding strand, the complement: USH1C is on the minus strand). VCF-style: chr11-17510441-G-A. GRCh37 (hg19) VCF-style: chr11-17531988-G-A.
Other names: c.1494C>T (NM_153676.3); c.1227+6960C>T (NM_001297764.2); c.1210+10429C>T (NM_001440687.1); c.1413+1461C>T (NM_001440681.1); c.1284+6960C>T (NM_001440685.1, NM_005709.4, NM_001440682.1); c.1285-5744C>T (NM_001440683.1); c.1437+1461C>T (NM_001440680.1); c.1260+6960C>T (NM_001440686.1); and 2 more.
Identifiers: ClinVar variation 4910799 (VCV004910799.2).